The following is an entry in ClinVar:

ClinVar aggregate classification (germline): Likely benign (1 of 4 stars; one submission).

Conditions:
PRLR-related disorder. Also called: PRLR-related condition.

gnomAD v4.1: 2,764 of 1,614,044 alleles (0.17%); highest among the groups gnomAD compares: Non-Finnish European, 0.21%; 2 homozygotes.

Submission:

PreventionGenetics, part of Exact Sciences
Classification: Likely benign for PRLR-related condition. Last evaluated: 2025-02-26. Review status: criteria provided, single submitter. Criteria: ACMG Guidelines, 2015. Collection method: clinical testing. Allele origin: germline.
Comment: This variant is classified as likely benign based on ACMG/AMP sequence variant interpretation guidelines (Richards et al. 2015 PMID: 25741868, with internal and published modifications).

NM_000949.7(PRLR):c.1547A>T (p.Asn516Ile)

Gene: PRLR (prolactin receptor; minus strand). Cytogenetic location: 5p13.2.
Variant type: single nucleotide variant.
Coding change: c.1547A>T on transcript NM_000949.7 (MANE Select); coding-DNA position 1547, A replaced by T.
Protein change: p.Asn516Ile; replaces asparagine 516 with isoleucine.
Molecular consequence: missense variant. On other transcripts: intron variant (4).
Genome position (GRCh38, 1-based): chr5:35,065,411, T>A on the plus strand (A>T on the coding strand, the complement: PRLR is on the minus strand). VCF-style: chr5-35065411-T-A. GRCh37 (hg19) VCF-style: chr5-35065513-T-A.
Other names: c.1244A>T, p.Asn415Ile (NM_001204314.2); c.685+4713A>T (NM_001204318.1); c.855+2805A>T (NM_001204317.1); c.1009+538A>T (NM_001204316.1); c.1010-35A>T (NM_001204315.1); short protein forms N516I, N415I.
Identifiers: ClinVar variation 4986151 (VCV004986151.1).